The following is an entry in ClinVar:

NM_004360.5(CDH1):c.1484T>C (p.Val495Ala)

Gene: CDH1 (cadherin 1; plus strand). Cytogenetic location: 16q22.1.
Variant type: single nucleotide variant.
Coding change: c.1484T>C on transcript NM_004360.5 (MANE Select); coding-DNA position 1484, T replaced by C.
Protein change: p.Val495Ala; replaces valine 495 with alanine.
Molecular consequence: missense variant. On other transcripts: 5 prime UTR variant (2).
Genome position (GRCh38, 1-based): chr16:68,815,678, T>C. VCF-style: chr16-68815678-T-C. GRCh37 (hg19) VCF-style: chr16-68849581-T-C.
Other names: c.1484T>C (LRG_301t1, NM_004360.4); c.1301T>C, p.Val434Ala (NM_001317184.2); c.-65T>C (NM_001317185.2); c.-336T>C (NM_001317186.2); short protein forms V495A, V434A.
Identifiers: ClinVar variation 185821 (VCV000185821.14), dbSNP rs786202482, ClinGen allele CA193050.
Genomic context (GRCh38, chr16:68,815,678, plus strand): 5'-TGGATGTGCTGGATGTGAATGAAGCCCCCATCTTTGTGCCTCCTGAAAAGAGAGTGGAAG[T>C]GTCCGAGGACTTTGGCGTGGGCCAGGAAATCACATCCTACACTGCCCAGGAGCCAGACAC-3'
Protein context (NP_004351.1, residues 485-505): IFVPPEKRVE[Val495Ala]SEDFGVGQEI

ClinVar aggregate classification (germline): Uncertain significance. Review status: criteria provided, multiple submitters, no conflicts (2 of 4 stars). 4 submissions from 4 submitters: Uncertain significance (4). Last evaluated 2025-10-13.

Conditions:
Hereditary diffuse gastric adenocarcinoma (HDGC). Also called: DIFFUSE GASTRIC AND LOBULAR BREAST CANCER SYNDROME. Identifiers: Orphanet 26106, MedGen C1708349, MONDO:0007648, OMIM 137215.
Hereditary cancer-predisposing syndrome. Also called: Hereditary Cancer Syndrome; Neoplastic Syndromes, Hereditary; Tumor predisposition; Hereditary neoplastic syndrome. Identifiers: Orphanet 140162, MedGen C0027672, MeSH D009386, MONDO:0015356.

Allele frequency attached by ClinVar (database versions not stated): gnomAD 0.00001 and 0.00002; TOPMed 0.00003.
gnomAD v4.1: 3 of 1,614,128 alleles (0.00019%); highest among the groups gnomAD compares: African/African-American, 0.0027%; no homozygotes.

Submissions (4):

Labcorp Genetics (formerly Invitae), Labcorp
Classification: Uncertain significance for Hereditary diffuse gastric adenocarcinoma. Last evaluated: 2025-10-13. Review status: criteria provided, single submitter. Criteria: Invitae Variant Classification Sherloc (09022015). Collection method: clinical testing. Allele origin: germline.
Comment: This sequence change replaces valine, which is neutral and non-polar, with alanine, which is neutral and non-polar, at codon 495 of the CDH1 protein (p.Val495Ala). This variant is present in population databases (rs786202482, gnomAD 0.01%). This variant has not been reported in the literature in individuals affected with CDH1-related conditions. ClinVar contains an entry for this variant (Variation ID: 185821). An algorithm developed to predict the effect of missense changes on protein structure and function (PolyPhen-2) suggests that this variant is likely to be disruptive. In summary, the available evidence is currently insufficient to determine the role of this variant in disease. Therefore, it has been classified as a Variant of Uncertain Significance.

Ambry Genetics
Classification: Uncertain significance for Hereditary cancer-predisposing syndrome. Last evaluated: 2025-10-11. Review status: criteria provided, single submitter. Criteria: Ambry Variant Classification Scheme 2023. Collection method: clinical testing. Allele origin: germline.
Comment: The p.V495A variant (also known as c.1484T>C), located in coding exon 10 of the CDH1 gene, results from a T to C substitution at nucleotide position 1484. The valine at codon 495 is replaced by alanine, an amino acid with similar properties. This amino acid position is not well conserved in available vertebrate species. In addition, this alteration is predicted to be tolerated by in silico analysis. Since supporting evidence is limited at this time, the clinical significance of this alteration remains unclear.

Quest Diagnostics Nichols Institute San Juan Capistrano
Classification: Uncertain significance. Last evaluated: 2025-09-10. Review status: criteria provided, single submitter. Criteria: Quest Diagnostics criteria. Collection method: clinical testing. Allele origin: unknown.
Comment: The CDH1 c.1484T>C (p.Val495Ala) variant has not been reported in individuals with CDH1-related conditions in the published literature. The frequency of this variant in the general population (Genome Aggregation Database) is uninformative in the assessment of its pathogenicity. Analysis of this variant using bioinformatics tools for the prediction of the effect of amino acid changes on protein structure and function yielded conflicting predictions that this variant is benign or damaging. Based on the available information, we are unable to determine the clinical significance of this variant.

GeneDx
Classification: Uncertain significance. Last evaluated: 2022-12-21. Review status: criteria provided, single submitter. Criteria: GeneDx Variant Classification Process June 2021. Collection method: clinical testing. Allele origin: germline. Affected: yes.
Comment: Not observed at significant frequency in large population cohorts (gnomAD); In silico analysis supports that this missense variant does not alter protein structure/function; Has not been previously published as pathogenic or benign to our knowledge; This variant is associated with the following publications: (PMID: 15235021, 22850631, 24686850)